The following is an entry in ClinVar:

ClinVar aggregate classification (germline): Pathogenic (1 of 4 stars; one submission).

Submission:

Labcorp Genetics (formerly Invitae), Labcorp
Classification: Pathogenic. Last evaluated: 2025-01-23. Review status: criteria provided, single submitter. Criteria: Invitae Variant Classification Sherloc (09022015). Collection method: clinical testing. Allele origin: germline.
Comment: This sequence change creates a premature translational stop signal (p.Leu163Aspfs*37) in the TUBGCP6 gene. It is expected to result in an absent or disrupted protein product. Loss-of-function variants in TUBGCP6 are known to be pathogenic (PMID: 25344692). This variant is present in population databases (no rsID available, gnomAD 0.0009%). This variant has not been reported in the literature in individuals affected with TUBGCP6-related conditions. For these reasons, this variant has been classified as Pathogenic.

Literature cited by the submitters: PubMed 25344692.

NM_020461.4(TUBGCP6):c.487_488del (p.Leu163fs)

Gene: TUBGCP6 (tubulin gamma complex component 6; minus strand). Cytogenetic location: 22q13.33.
Variant type: Microsatellite.
Coding change: c.487_488del on transcript NM_020461.4 (MANE Select); coding-DNA positions 487 to 488, 2 bases deleted (CT; older notation c.487_488delCT).
Protein change: p.Leu163fs; shifts the reading frame from leucine 163.
Molecular consequence: frameshift variant.
Genome position (GRCh38, 1-based): chr22:50,243,972-50,243,973, AG deleted on the plus strand (CT on the coding strand, the reverse complement: TUBGCP6 is on the minus strand); deleting any 2 consecutive bases within chr22:50,243,972-50,243,976 gives the same sequence; the c. name uses the placement nearest the transcript's 3' end. VCF-style (leftmost placement, unchanged base first): chr22-50243971-CAG-C. GRCh37 (hg19) VCF-style: chr22-50682400-CAG-C.
Other names: short protein forms L163fs.
Identifiers: ClinVar variation 3656123 (VCV003656123.2).